The following is an entry in ClinVar:

ClinVar aggregate classification (germline): Conflicting classifications of pathogenicity. Review status: criteria provided, conflicting classifications (1 of 4 stars). 2 submissions from 2 submitters: Likely pathogenic (1); Uncertain significance (1). Last evaluated 2026-02-05.

Conditions:
Inborn genetic diseases. Identifiers: MedGen C0950123, MeSH D030342.

Submissions (2):

Ambry Genetics
Classification: Uncertain significance for Inborn genetic diseases. Last evaluated: 2026-02-05. Review status: criteria provided, single submitter. Criteria: Ambry Variant Classification Scheme 2023. Collection method: clinical testing. Allele origin: germline.
Comment: The c.469+1G>A intronic variant consists of a G to A substitution one nucleotide after exon 9 (coding exon 9) of the ELN gene. Alterations that disrupt the canonical splice site are expected to result in aberrant splicing. The resulting transcript is predicted to be in-frame and is not expected to trigger nonsense-mediated mRNA decay, although direct evidence is unavailable. This variant was not reported in population-based cohorts in the Genome Aggregation Database (gnomAD). This variant was reported in individual(s) with features consistent with Supravalvar aortic stenosis (external communication). This nucleotide position is highly conserved in available vertebrate species. In silico splice site analysis predicts that this alteration will weaken the native splice donor site. Based on insufficient or conflicting evidence, the clinical significance of this alteration remains unclear.

GeneDx
Classification: Likely pathogenic. Last evaluated: 2022-09-26. Review status: criteria provided, single submitter. Criteria: GeneDx Variant Classification Process June 2021. Collection method: clinical testing. Allele origin: germline. Affected: yes.
Comment: Has been reported in an individual with a congenital heart disease, although no additional clinical information was available (Morton et al., 2021); Not observed at significant frequency in large population cohorts (gnomAD); Canonical splice site variant with an unclear effect on protein function; This variant is associated with the following publications: (PMID: 33084842)

NM_000501.4(ELN):c.469+1G>A

Gene: ELN (elastin; plus strand). Cytogenetic location: 7q11.23.
Variant type: single nucleotide variant.
Coding change: c.469+1G>A on transcript NM_000501.4 (MANE Select); the canonical splice donor site of the intron after coding-DNA position 469, G replaced by A.
Molecular consequence: splice donor variant.
Genome position (GRCh38, 1-based): chr7:74,043,921, G>A. VCF-style: chr7-74043921-G-A. GRCh37 (hg19) VCF-style: chr7-73458251-G-A.
Other names: c.484+1G>A (NM_001081754.3, NM_001081753.3); c.469+1G>A (NM_001278939.2, NM_001278915.2, NM_001278912.2 and 3 more transcripts); c.433+1G>A (NM_001278913.2); c.454+1G>A (NM_001278914.2); c.439+1G>A (NM_001278917.2, NM_001081752.3, NM_001278918.2).
Identifiers: ClinVar variation 1706722 (VCV001706722.3), dbSNP rs2485184528, ClinGen allele CA367869671.